The following is an entry in ClinVar:

NM_139076.3(ABRAXAS1):c.96T>G (p.Phe32Leu)

Gene: ABRAXAS1 (abraxas 1, BRCA1 A complex subunit; minus strand). Cytogenetic location: 4q21.23.
Variant type: single nucleotide variant.
Coding change: c.96T>G on transcript NM_139076.3 (MANE Select); coding-DNA position 96, T replaced by G.
Protein change: p.Phe32Leu; replaces phenylalanine 32 with leucine.
Molecular consequence: missense variant. On other transcripts: 5 prime UTR variant (1).
Genome position (GRCh38, 1-based): chr4:83,482,236, A>C on the plus strand (T>G on the coding strand, the complement: ABRAXAS1 is on the minus strand). VCF-style: chr4-83482236-A-C. GRCh37 (hg19) VCF-style: chr4-84403389-A-C.
Other names: c.-165T>G (NM_001345962.2); short protein forms F32L.
Identifiers: ClinVar variation 954571 (VCV000954571.9), dbSNP rs1723022809, ClinGen allele CA357263355.

ClinVar aggregate classification (germline): Uncertain significance (1 of 4 stars; one submission).

Submission:

Labcorp Genetics (formerly Invitae), Labcorp
Classification: Uncertain significance. Last evaluated: 2019-07-15. Review status: criteria provided, single submitter. Criteria: Invitae Variant Classification Sherloc (09022015). Collection method: clinical testing. Allele origin: germline.
Comment: This sequence change replaces phenylalanine with leucine at codon 32 of the ABRAXAS1 protein (p.Phe32Leu). The phenylalanine residue is highly conserved and there is a small physicochemical difference between phenylalanine and leucine. This variant is not present in population databases (ExAC no frequency). This variant has not been reported in the literature in individuals with ABRAXAS1-related conditions. Algorithms developed to predict the effect of missense changes on protein structure and function output the following: SIFT: "Tolerated"; PolyPhen-2: "Benign"; Align-GVGD: "Class C0". The leucine amino acid residue is found in multiple mammalian species, suggesting that this missense change does not adversely affect protein function. These predictions have not been confirmed by published functional studies and their clinical significance is uncertain. Algorithms developed to predict the effect of sequence changes on RNA splicing suggest that this variant may create or strengthen a splice site, but this prediction has not been confirmed by published transcriptional studies. In summary, the available evidence is currently insufficient to determine the role of this variant in disease. Therefore, it has been classified as a Variant of Uncertain Significance.